The following is an entry in ClinVar:

ClinVar aggregate classification (germline): Likely pathogenic (1 of 4 stars; one submission).

Conditions:
Muscular dystrophy-dystroglycanopathy (congenital with brain and eye anomalies), type A3. Also called: Muscular dystrophy-dystroglycanopathy (congenital with brain and eye anomalies), type A, 3; Congenital muscular dystrophy-dystroglycanopathy with brain and eye anomalies, type A3; WALKER-WARBURG SYNDROME OR MUSCLE-EYE-BRAIN DISEASE, POMGNT1-RELATED. Identifiers: MedGen C3151519, MONDO:0009667, OMIM 253280.

Submission:

Myriad Genetics, Inc.
Classification: Likely pathogenic for Muscular dystrophy-dystroglycanopathy (congenital with brain and eye anomalies), type A3. Last evaluated: 2022-03-17. Review status: criteria provided, single submitter. Criteria: Myriad Women's Health Autosomal Recessive and X-Linked Classification Criteria (2021). Collection method: clinical testing. Allele origin: unknown.
Comment: NM_017739.3(POMGNT1):c.1557delG(K519Nfs*18) is expected to be pathogenic in the context of POMGNT-related disorders. This variant is predicted to lead to an abnormal or absent protein product due to the creation of a premature termination codon in POMGNT1, a gene where loss-of-function variants are known to be pathogenic. Please note: this variant was assessed in the context of healthy population screening.

NM_017739.4(POMGNT1):c.1557del (p.Lys519fs)

Genes: POMGNT1 (protein O-linked mannose N-acetylglucosaminyltransferase 1 (beta 1,2-); minus strand), TSPAN1 (tetraspanin 1; plus strand). Cytogenetic location: 1p34.1.
Variant type: Deletion.
Coding change: c.1557del on transcript NM_017739.4 (MANE Select); coding-DNA position 1557, one base deleted (G; older notation c.1557delG).
Protein change: p.Lys519fs; shifts the reading frame from lysine 519.
Molecular consequence: frameshift variant.
Genome position (GRCh38, 1-based): chr1:46,190,767, C deleted on the plus strand (G on the coding strand, the reverse complement: POMGNT1 is on the minus strand). VCF-style (leftmost placement, unchanged base first): chr1-46190766-GC-G. GRCh37 (hg19) VCF-style: chr1-46656438-GC-G.
Other names: c.1557del, p.Lys519fs (NM_001243766.2, NM_001410783.1); c.1491delG, p.Lys497Asnfs (NM_001290129.3); c.1128del, p.Lys376fs (NM_001290130.2); short protein forms K376fs, K497fs, K519fs.
Identifiers: ClinVar variation 1725374 (VCV001725374.2), dbSNP rs2525360577, ClinGen allele CA2580062924.
Genomic context (GRCh38, chr1:46,190,766, plus strand): 5'-CTGCCAGCCCCAACCTGTCCACATTCCTGAGCTGGACACCTGGAACCGTGTTGAACTTGT[GC>G]TTCTTGAAGTAGGCCTCCTGGAGTGGGTATGAGAGTGAAAATCAGCACCTCACATTGTCT-3'